The following is an entry in ClinVar:

ClinVar aggregate classification (germline): Uncertain significance (1 of 4 stars; one submission).

Conditions:
Arthrogryposis multiplex congenita 6. Identifiers: MedGen C5543431, MONDO:0030281, OMIM 619334.
Nemaline myopathy 2 (NEM2). Also called: Nemaline myopathy 2, autosomal recessive. Identifiers: MedGen C1850569, MONDO:0009725, OMIM 256030.

gnomAD v4.1: 2 of 1,609,372 alleles (0.00012%); highest among the groups gnomAD compares: South Asian, 0.0011%; no homozygotes.

Submission:

Juno Genomics, Hangzhou Juno Genomics, Inc
Classification: Uncertain significance for Arthrogryposis multiplex congenita 6; Nemaline myopathy 2. Review status: criteria provided, single submitter. Criteria: ACMG Guidelines, 2015. Collection method: clinical testing. Allele origin: germline.
Comment: Absent from controls (or at extremely low frequency if recessive) in Genome Aggregation Database.;Multiple lines of computational evidence support a deleterious effect on the gene or gene product.

NM_001164508.2(NEB):c.11189A>G (p.Tyr3730Cys)

Gene: NEB (nebulin; minus strand). Cytogenetic location: 2q23.3.
Variant type: single nucleotide variant.
Coding change: c.11189A>G on transcript NM_001164508.2 (MANE Select); coding-DNA position 11189, A replaced by G.
Protein change: p.Tyr3730Cys; replaces tyrosine 3730 with cysteine.
Molecular consequence: missense variant.
Genome position (GRCh38, 1-based): chr2:151,616,102, T>C on the plus strand (A>G on the coding strand, the complement: NEB is on the minus strand). VCF-style: chr2-151616102-T-C. GRCh37 (hg19) VCF-style: chr2-152472616-T-C.
Other names: c.11189A>G, p.Tyr3730Cys (NM_001164507.2, NM_001271208.2); c.10460A>G, p.Tyr3487Cys (NM_004543.5); short protein forms Y3487C, Y3730C.
Identifiers: ClinVar variation 5006093 (VCV005006093.2).